The following is an entry in ClinVar:

NM_182961.4(SYNE1):c.11734-83T>C

Gene: SYNE1 (spectrin repeat containing nuclear envelope protein 1; minus strand). Cytogenetic location: 6q25.2.
Variant type: single nucleotide variant.
Coding change: c.11734-83T>C on transcript NM_182961.4 (MANE Select); 83 bases into the intron before coding-DNA position 11734, T replaced by C.
Molecular consequence: intron variant.
Genome position (GRCh38, 1-based): chr6:152,350,418, A>G on the plus strand (T>C on the coding strand, the complement: SYNE1 is on the minus strand). VCF-style: chr6-152350418-A-G. GRCh37 (hg19) VCF-style: chr6-152671553-A-G.
Other names: c.11688+200T>C (NM_033071.5).
Identifiers: ClinVar variation 670171 (VCV000670171.1), dbSNP rs9478321, ClinGen allele CA15452529.

ClinVar aggregate classification (germline): Benign (1 of 4 stars; one submission).

Allele frequency attached by ClinVar (database versions not stated): 1000 Genomes Project 0.58966; 1000 Genomes Project 30x 0.59244; gnomAD 0.59583 and 0.59692; TOPMed 0.60249; gnomAD exomes 0.60433.
gnomAD v4.1: 953,642 of 1,580,546 alleles (60%); highest among the groups gnomAD compares: East Asian, 64%; 288,365 homozygotes.

Submission:

GeneDx
Classification: Benign. Last evaluated: 2018-06-14. Review status: criteria provided, single submitter. Criteria: GeneDx Variant Classification (06012015). Collection method: clinical testing. Allele origin: germline. Affected: yes.
Comment: This variant is considered likely benign or benign based on one or more of the following criteria: it is a conservative change, it occurs at a poorly conserved position in the protein, it is predicted to be benign by multiple in silico algorithms, and/or has population frequency not consistent with disease.